The following is an entry in ClinVar:

NM_012208.4(HARS2):c.165TAT[1] (p.Ile57del)

Gene: HARS2 (histidyl-tRNA synthetase 2, mitochondrial; plus strand). Cytogenetic location: 5q31.3.
Variant type: Microsatellite.
Coding change: c.165TAT[1] on transcript NM_012208.4 (MANE Select); one copy of the 3-base unit TAT starting at c.165; the reference has two copies in a row; one copy, 3 bases deleted.
Protein change: p.Ile57del; deletes isoleucine 57.
Molecular consequence: inframe deletion. On other transcripts: 5 prime UTR variant (2), intron variant (1).
Genome position (GRCh38, 1-based): chr5:140,693,650-140,693,652, TAT deleted; deleting any 3 consecutive bases within chr5:140,693,646-140,693,652 gives the same sequence; the position shown is the placement nearest the transcript's 3' end. VCF-style (leftmost placement, unchanged base first): chr5-140693645-TTTA-T. GRCh37 (hg19) VCF-style: chr5-140073230-TTTA-T.
Other names: c.-46TAT[1] (NM_001278732.2, NM_001363536.2); c.183TAT[1], p.Ile63del (NM_001363535.2); c.109-285_109-283del (NM_001278731.2); c.168_170delTAT (NM_012208.2, NM_012208.3); short protein forms I57del, I63del.
Identifiers: ClinVar variation 228736 (VCV000228736.10), dbSNP rs876657829, ClinGen allele CA3444314.

ClinVar aggregate classification (germline): Uncertain significance. Review status: criteria provided, multiple submitters, no conflicts (2 of 4 stars). 4 submissions from 4 submitters: Uncertain significance (4). Last evaluated 2026-08-07.

Conditions:
HARS2-related disorder. Also called: HARS2-related condition.

Submissions (4):

GeneDx
Classification: Uncertain significance. Last evaluated: 2026-08-07. Review status: criteria provided, single submitter. Criteria: GeneDx Variant Classification Process June 2021. Collection method: clinical testing. Allele origin: germline.
Comment: In-frame deletion of 1 amino acid(s) in a non-repeat region; In silico analysis supports a deleterious effect on protein structure/function; Has not been previously published as pathogenic or benign to our knowledge

PreventionGenetics, part of Exact Sciences
Classification: Uncertain significance for HARS2-related condition. Last evaluated: 2026-07-28. Review status: criteria provided, single submitter. Criteria: ACMG Guidelines, 2015. Collection method: clinical testing. Allele origin: germline.
Comment: The HARS2 c.168_170delTAT variant is predicted to result in an in-frame deletion (p.Ile57del). To our knowledge, this variant has not been reported in the literature. This variant is reported in 0.029% of alleles in individuals of South Asian descent in gnomAD. At this time, the clinical significance of this variant is uncertain due to the absence of conclusive functional and genetic evidence.

Blueprint Genetics
Classification: Uncertain significance. Last evaluated: 2020-09-07. Review status: criteria provided, single submitter. Criteria: ACMG Guidelines, 2015. Collection method: clinical testing. Allele origin: germline.

Laboratory for Molecular Medicine, Mass General Brigham Personalized Medicine
Classification: Uncertain significance. Last evaluated: 2015-05-05. Review status: criteria provided, single submitter. Criteria: LMM Criteria. Collection method: clinical testing. Allele origin: germline. Observed: 1 variant allele.
Comment: The p.Ile57del variant in HARS2 has not been previously reported in individuals with hearing loss or Perrault syndrome, but has been identified in 4/16512 South Asians chromosomes by the Exome Aggregation Consortium (ExAC). This variant is a deletion of 1 amino acid at position 57 and is not predicted to alter the protein reading-frame. However, its impact on the fu nction of the protein cannot be predicted. In summary, the clinical significance of the p.Ile57del variant is uncertain.